The following is an entry in ClinVar:

ClinVar aggregate classification (germline): Uncertain significance (1 of 4 stars; one submission).

Conditions:
Cortical dysplasia-focal epilepsy syndrome (PTHSL1). Also called: Pitt-Hopkins-like syndrome 1. Identifiers: Orphanet 163681, Orphanet 221150, MedGen C2750246, MONDO:0012400, OMIM 610042.

gnomAD v4.1: 4 of 1,613,906 alleles (0.00025%); highest among the groups gnomAD compares: Admixed American, 0.0017%; no homozygotes.

Submission:

Labcorp Genetics (formerly Invitae), Labcorp
Classification: Uncertain significance for Cortical dysplasia-focal epilepsy syndrome. Last evaluated: 2024-09-01. Review status: criteria provided, single submitter. Criteria: Invitae Variant Classification Sherloc (09022015). Collection method: clinical testing. Allele origin: germline.
Comment: This sequence change replaces glycine, which is neutral and non-polar, with glutamic acid, which is acidic and polar, at codon 865 of the CNTNAP2 protein (p.Gly865Glu). This variant is not present in population databases (gnomAD no frequency). This variant has not been reported in the literature in individuals affected with CNTNAP2-related conditions. An algorithm developed to predict the effect of missense changes on protein structure and function (PolyPhen-2) suggests that this variant is likely to be disruptive. In summary, the available evidence is currently insufficient to determine the role of this variant in disease. Therefore, it has been classified as a Variant of Uncertain Significance.

NM_014141.6(CNTNAP2):c.2594G>A (p.Gly865Glu)

Gene: CNTNAP2 (contactin associated protein 2; plus strand). Cytogenetic location: 7q35.
Variant type: single nucleotide variant.
Coding change: c.2594G>A on transcript NM_014141.6 (MANE Select); coding-DNA position 2594, G replaced by A.
Protein change: p.Gly865Glu; replaces glycine 865 with glutamic acid.
Molecular consequence: missense variant.
Genome position (GRCh38, 1-based): chr7:148,147,530, G>A. VCF-style: chr7-148147530-G-A. GRCh37 (hg19) VCF-style: chr7-147844622-G-A.
Other names: short protein forms G865E.
Identifiers: ClinVar variation 3664117 (VCV003664117.2).